The following is an entry in ClinVar:

ClinVar aggregate classification (germline): Benign/Likely benign. Review status: criteria provided, multiple submitters, no conflicts (2 of 4 stars). 4 submissions from 4 submitters: Benign (1); Likely benign (3). Last evaluated 2026-09-01.

Conditions:
Combined oxidative phosphorylation defect type 27. Also called: Combined oxidative phosphorylation deficiency 27. Identifiers: Orphanet 477774, MedGen C5567608, MONDO:0014728, OMIM 616672.

Allele frequency attached by ClinVar (database versions not stated): 1000 Genomes Project 30x 0.00172; 1000 Genomes Project 0.00200; gnomAD exomes 0.00232 and 0.00305; ExAC 0.00252; TOPMed 0.00294; gnomAD 0.00296 and 0.00308; ESP Exome Variant Server 0.00408.
gnomAD v4.1: 4,890 of 1,612,396 alleles (0.3%); highest among the groups gnomAD compares: Non-Finnish European, 0.35%; 8 homozygotes.

Submissions (4):

CeGaT Center for Human Genetics Tuebingen
Classification: Likely benign. Last evaluated: 2026-09-01. Review status: criteria provided, single submitter. Criteria: CeGaT Center For Human Genetics Tuebingen Variant Classification Criteria Version 2. Collection method: clinical testing. Allele origin: germline. Affected: yes. Observed: 16 variant alleles.
Comment: CARS2: BP4, BP7

Labcorp Genetics (formerly Invitae), Labcorp
Classification: Benign for Combined oxidative phosphorylation defect type 27. Last evaluated: 2026-01-31. Review status: criteria provided, single submitter. Criteria: Invitae Variant Classification Sherloc (09022015). Collection method: clinical testing. Allele origin: germline.

Blueprint Genetics
Classification: Likely benign. Last evaluated: 2024-11-25. Review status: criteria provided, single submitter. Criteria: ACMG Guidelines, 2015. Collection method: clinical testing. Allele origin: germline.

GeneDx
Classification: Likely benign. Last evaluated: 2021-06-08. Review status: criteria provided, single submitter. Criteria: GeneDx Variant Classification Process June 2021. Collection method: clinical testing. Allele origin: germline. Affected: yes.

NM_024537.4(CARS2):c.1128C>T (p.Asp376=)

Gene: CARS2 (cysteinyl-tRNA synthetase 2, mitochondrial; minus strand). Cytogenetic location: 13q34.
Variant type: single nucleotide variant.
Coding change: c.1128C>T on transcript NM_024537.4 (MANE Select); coding-DNA position 1128, C replaced by T.
Protein change: p.Asp376=; no amino-acid change (aspartic acid 376 retained).
Molecular consequence: synonymous variant. On other transcripts: non-coding transcript variant (2).
Genome position (GRCh38, 1-based): chr13:110,647,166, G>A on the plus strand (C>T on the coding strand, the complement: CARS2 is on the minus strand). VCF-style: chr13-110647166-G-A. GRCh37 (hg19) VCF-style: chr13-111299513-G-A.
Other names: c.342C>T, p.Asp114= (NM_001352252.2).
Identifiers: ClinVar variation 475616 (VCV000475616.50), dbSNP rs142070578, ClinGen allele CA7051904.